The following is an entry in ClinVar:

NM_014915.3(ANKRD26):c.-3_-2delinsCA

Genes: ANKRD26 (ankyrin repeat domain 26; minus strand), LOC130003554 (ATAC-STARR-seq lymphoblastoid silent region 2243; plus strand). Cytogenetic location: 10p12.1.
Variant type: Indel.
Coding change: c.-3_-2delinsCA on transcript NM_014915.3 (MANE Select); 3 bases upstream of the start codon through 2 bases upstream of the start codon, GC replaced by CA.
Molecular consequence: 5 prime UTR variant.
Genome position (GRCh38, 1-based): chr10:27,100,328-27,100,329, GC replaced by TG on the plus strand (GC replaced by CA on the coding strand, the reverse complement: ANKRD26 is on the minus strand). VCF-style: chr10-27100328-GC-TG. GRCh37 (hg19) VCF-style: chr10-27389257-GC-TG.
Other names: c.-3_-2delinsCA (NM_001256053.2).
Identifiers: ClinVar variation 2822190 (VCV002822190.3), dbSNP rs2539365418, ClinGen allele CA2739265329.
Genomic context (GRCh38, chr10:27,100,328, plus strand): 5'-TGCCGCCGCGCGAAGGAGCCCAAGGGCGACTCGCCCTTCTTACTAAAAATCTTCTTCATG[GC>TG]CCAGGCGACCGGGCTTCAGAGACACCTCATGTCTCTCTCGGCTCTTAACGGCCTCCGGAG-3'

ClinVar aggregate classification (germline): Uncertain significance (1 of 4 stars; one submission).

Submission:

Labcorp Genetics (formerly Invitae), Labcorp
Classification: Uncertain significance. Last evaluated: 2025-06-11. Review status: criteria provided, single submitter. Criteria: Invitae Variant Classification Sherloc (09022015). Collection method: clinical testing. Allele origin: germline.
Comment: This variant occurs in a non-coding region of the ANKRD26 gene. It does not change the encoded amino acid sequence of the ANKRD26 protein. Information on the frequency of this variant in the gnomAD database is not available, as this variant may be reported differently in the database. This variant has not been reported in the literature in individuals affected with ANKRD26-related conditions. ClinVar contains an entry for this variant (Variation ID: 2822190). Experimental studies and prediction algorithms are not available or were not evaluated, and the functional significance of this variant is currently unknown. In summary, the available evidence is currently insufficient to determine the role of this variant in disease. Therefore, it has been classified as a Variant of Uncertain Significance.